The following is an entry in ClinVar:

NM_024664.4(PPCS):c.65T>C (p.Val22Ala)

Genes: CCDC30 (coiled-coil domain containing 30; plus strand), PPCS (phosphopantothenoylcysteine synthetase; plus strand), LOC129930343 (ATAC-STARR-seq lymphoblastoid active region 893; plus strand). Cytogenetic location: 1p34.2.
Variant type: single nucleotide variant.
Coding change: c.65T>C on transcript NM_024664.4 (MANE Select); coding-DNA position 65, T replaced by C.
Protein change: p.Val22Ala; replaces valine 22 with alanine.
Molecular consequence: missense variant. On other transcripts: 5 prime UTR variant (2), intron variant (4), splice donor variant (1).
Genome position (GRCh38, 1-based): chr1:42,456,630, T>C. VCF-style: chr1-42456630-T-C. GRCh37 (hg19) VCF-style: chr1-42922301-T-C.
Other names: c.-106T>C (NM_001287508.2); c.-628T>C (NM_001287510.2); c.65T>C, p.Val22Ala (NM_001287511.2); c.-984+131T>C (NM_001355226.2); c.-328+131T>C (NM_001287507.1); c.-12+131T>C (NM_001287506.1); c.-12+2T>C (NM_001077447.3); c.-12+47T>C (NM_001287509.2); short protein forms V22A.
Identifiers: ClinVar variation 1465586 (VCV001465586.5), dbSNP rs770850781, ClinGen allele CA799896.

ClinVar aggregate classification (germline): Conflicting classifications of pathogenicity. Review status: criteria provided, conflicting classifications (1 of 4 stars). 2 submissions from 2 submitters: Uncertain significance (1); Likely benign (1). Last evaluated 2025-02-24.

Conditions:
PPCS-related disorder. Also called: PPCS-related condition.

Allele frequency attached by ClinVar (database versions not stated): gnomAD exomes 0.00001 and 0.00002; ExAC 0.00003; TOPMed below 0.00001.
gnomAD v4.1: 5 of 1,570,408 alleles (0.00032%); highest among the groups gnomAD compares: Non-Finnish European, 0.00034%; no homozygotes.

Submissions (2):

PreventionGenetics, part of Exact Sciences
Classification: Likely benign for PPCS-related condition. Last evaluated: 2025-02-24. Review status: criteria provided, single submitter. Criteria: ACMG Guidelines, 2015. Collection method: clinical testing. Allele origin: germline.
Comment: This variant is classified as likely benign based on ACMG/AMP sequence variant interpretation guidelines (Richards et al. 2015 PMID: 25741868, with internal and published modifications).

Labcorp Genetics (formerly Invitae), Labcorp
Classification: Uncertain significance. Last evaluated: 2021-09-20. Review status: criteria provided, single submitter. Criteria: Invitae Variant Classification Sherloc (09022015). Collection method: clinical testing. Allele origin: germline.
Comment: This sequence change replaces valine with alanine at codon 22 of the PPCS protein (p.Val22Ala). The valine residue is weakly conserved and there is a small physicochemical difference between valine and alanine. The frequency data for this variant in the population databases is considered unreliable, as metrics indicate poor data quality at this position in the ExAC database. This variant has not been reported in the literature in individuals affected with PPCS-related conditions. Algorithms developed to predict the effect of missense changes on protein structure and function (SIFT, PolyPhen-2, Align-GVGD) all suggest that this variant is likely to be tolerated. In summary, the available evidence is currently insufficient to determine the role of this variant in disease. Therefore, it has been classified as a Variant of Uncertain Significance.